The following continues an entry in ClinVar:

NM_002880.4(RAF1):c.770C>T (p.Ser257Leu)

Gene: RAF1. ClinVar aggregate classification (germline): Pathogenic. Pathogenic (1). ClinVar aggregate classification (somatic clinical impact): Tier II - Potential.

Submissions 19 to 31 of 51:

GeneDx
Classification: Pathogenic. Last evaluated: 2022-09-09. Review status: criteria provided, single submitter. Criteria: GeneDx Variant Classification Process June 2021. Collection method: clinical testing. Allele origin: germline. Affected: yes. Not counted in ClinVar's aggregate classification.
Comment: Published functional studies demonstrate that S257L produces a gain of function effect with higher kinase activity than wild-type protein (Razzaque et al., 2007; Lee et al., 2011); Not observed in large population cohorts (gnomAD); The majority of missense variants in this gene are considered pathogenic (HGMD); In silico analysis supports that this missense variant has a deleterious effect on protein structure/function; This variant is associated with the following publications: (PMID: 26918529, 23877478, 30384889, 35050212, 32506814, 31219622, 34184824, 30417923, 25706034, 24033266, 23312806, 22389993, 17603483, 20052757, 24775816, 24803665, 28973083, 29084544, 28777121, 30732632, 30138938, 30055033, 30355600, 30105547, 21784453, 21440552, 28991257, 30050098, 29907801, 31395954, 31560489, 31324109, 31163979, 32573669, 32668055, 34136434, 33318624, 17603482, 32981126, 33673806, 32410215, 33240318, 32746448, 32368696, 34006472, 24957944, 9689060, 15520807, 29493581)

Clinical Genetics Laboratory, Skane University Hospital Lund
Classification: Pathogenic. Last evaluated: 2022-07-13. Review status: criteria provided, single submitter. Criteria: ACMG Guidelines, 2015. Collection method: clinical testing. Allele origin: germline. Affected: yes. Not counted in ClinVar's aggregate classification.

Mayo Clinic Laboratories, Mayo Clinic
Classification: Pathogenic. Last evaluated: 2022-06-15. Review status: criteria provided, single submitter. Criteria: ACMG Guidelines, 2015. Collection method: clinical testing. Allele origin: germline. Observed: 14 variant alleles. Not counted in ClinVar's aggregate classification.
Comment: PP2, PM1, PM2, PS2_very_strong, PS3, PS4

Medical Genetics Center, Maternal and Child Health Hospital of Hubei Province
Classification: Pathogenic for Noonan syndrome 5. Last evaluated: 2022-03-22. Review status: criteria provided, single submitter. Criteria: ACMG Guidelines, 2015. Collection method: clinical testing. Allele origin: de novo. Affected: yes. Not counted in ClinVar's aggregate classification.

Centro Nacional de Genética Medica, Administración Nacional de Laboratorios e Institutos de Salud (ANLIS) “Dr. Carlos G Malbrán”
Classification: Pathogenic. Last evaluated: 2022-02-02. Review status: criteria provided, single submitter. Criteria: ACMG Guidelines, 2015. Collection method: clinical testing. Allele origin: germline. Affected: yes. Not counted in ClinVar's aggregate classification.

Fulgent Genetics
Classification: Pathogenic for Noonan syndrome 5; LEOPARD syndrome 2; Dilated cardiomyopathy 1NN. Last evaluated: 2021-07-01. Review status: criteria provided, single submitter. Criteria: ACMG Guidelines, 2015. Collection method: clinical testing. Allele origin: unknown. Not counted in ClinVar's aggregate classification.

Genome Diagnostics Laboratory, The Hospital for Sick Children
Classification: Pathogenic for Noonan syndrome and Noonan-related syndrome. Last evaluated: 2021-04-26. Review status: criteria provided, single submitter. Criteria: ACMG Guidelines, 2015. Collection method: clinical testing. Allele origin: germline. Affected: yes. Not counted in ClinVar's aggregate classification.

Rady Children's Institute for Genomic Medicine, Rady Children's Hospital San Diego
Classification: Pathogenic for RAF1-related disorders. Last evaluated: 2020-10-21. Review status: criteria provided, single submitter. Criteria: ACMG Guidelines, 2015. Collection method: clinical testing. Allele origin: germline. Affected: yes. Not counted in ClinVar's aggregate classification.
Comment: This variant has been previously reported as a de novo change in patients with Noonan Syndrome (PMID: 17603482, 23877478) and LEOPARD syndrome 2 (PMID: 22389993, 24775816). This variant has been classified as Pathogenic by the ClinGen Rasopathy Expert Panel. Functional studies indicate that the p.Ser257Leu produces a gain-of-function effect with higher kinase activity than wild-type protein (PMID: 17603482). It is absent from the gnomAD population database and thus is presumed to be rare. In silico tools used to predict the effect of this variant on protein function yield discordant results. Analysis of the parental samples was negative for the variant, indicating this variant likely occurred as a de novo event. Based on the available evidence, the c.770C>T (p.Ser257Leu) variant is classified as Pathogenic.

ARUP Laboratories, Molecular Genetics and Genomics, ARUP Laboratories
Classification: Pathogenic. Last evaluated: 2020-06-05. Review status: criteria provided, single submitter. Criteria: ARUP Molecular Germline Variant Investigation Process. Collection method: clinical testing. Allele origin: germline. Not counted in ClinVar's aggregate classification.
Comment: The RAF1 c.770C>T; p.Ser257Leu variant (rs80338796) has been reported in multiple individuals diagnosed with Noonan syndrome (Razzaque 2007, Pandit 2007, Kobayashi 2010, Zarate 2014, Hopper 2015) or LEOPARD syndrome (Pandit 2007, Carcavilla 2013). The variant is reported as pathogenic in ClinVar by multiple sources (Variation ID: 13957) absent from general population databases (Exome Variant Server, Genome Aggregation Database), indicating it is not a common polymorphism. This variant is located in a region critical for the phosphorylation of serine-259 and its association with 14-3-3, which is involved in the negative regulation of RAF1 activity (Razzaque 2007, Kobayashi 2010). Functional characterization of the p.Ser257Leu variant protein indicates a loss of serine-259 phosphorylation and reduced association with 14-3-3 (Kobayashi 2010). This leads to an over-activation of MEK and ERK signaling (Razzaque 2007, Kobayashi 2010), consistent with the established disease mechanisms of Noonan Syndrome. Based on available information, this variant is considered to be pathogenic. References: Carcavilla A et al. LEOPARD syndrome: a variant of Noonan syndrome strongly associated with hypertrophic cardiomyopathy. Rev Esp Cardiol (Engl Ed). 2013 May;66(5):350-6. Hopper R et al. Neonatal pulmonary arterial hypertension and Noonan syndrome: two fatal cases with a specific RAF1 mutation. Am J Med Genet A. 2015 Apr;167A(4):882-5. Kobayashi T et al. Molecular and clinical analysis of RAF1 in Noonan syndrome and related disorders: dephosphorylation of serine 259 as the essential mechanism for mutant activation. Hum Mutat. 2010 Mar;31(3):284-94. Pandit B et al. Gain-of-function RAF1 mutations cause Noonan and LEOPARD syndromes with hypertrophic cardiomyopathy. Nat Genet. 2007 Aug;39(8):1007-12. Razzaque M et al Germline gain-of-function mutations in RAF1 cause Noonan syndrome. Nat Genet. 2007 Aug;39(8):1013-7 Zarate Y et al. Unique cerebrovascular anomalies in Noonan syndrome with RAF1 mutation. J Child Neurol. 2014 Aug;29(8):NP13-7.

CENTOGENE GmbH and LLC - Guiding Precision Medicine
Classification: Pathogenic for Noonan syndrome 5. Last evaluated: 2020-02-11. Review status: criteria provided, single submitter. Criteria: ACMG Guidelines, 2015. Collection method: clinical testing. Allele origin: germline. Affected: yes. Not counted in ClinVar's aggregate classification.

Centre for Mendelian Genomics, University Medical Centre Ljubljana
Classification: Pathogenic for LEOPARD syndrome 2. Last evaluated: 2019-05-20. Review status: criteria provided, single submitter. Criteria: ACMG Guidelines, 2015. Collection method: clinical testing. Allele origin: unknown. Affected: yes. Not counted in ClinVar's aggregate classification.
Comment: This variant was classified as: Pathogenic. The following ACMG criteria were applied in classifying this variant: PS1,PS3,PM1,PM2,PM5,PP2,PP3.

Women's Health and Genetics/Laboratory Corporation of America, LabCorp
Classification: Pathogenic for Rasopathy. Last evaluated: 2018-12-11. Review status: criteria provided, single submitter. Criteria: LabCorp Variant Classification Summary - May 2015. Collection method: clinical testing. Allele origin: germline. Not counted in ClinVar's aggregate classification.
Comment: Variant summary: RAF1 c.770C>T (p.Ser257Leu) results in a non-conservative amino acid change located in the CR2 domain of the encoded protein sequence that is involved in regulatory phosphorylation and association with the 14-3-3 protein (Razzaque 2007, Pandit 2007). Four of five in-silico tools predict a damaging effect of the variant on protein function. The variant was absent in 246848 control chromosomes (gnomAD). c.770C>T has been reported in the literature in multiple individuals affected with Noonan Syndrome and Related Conditions, where several of these individuals also had hypertrophic cardiomyopathy or other cardiac manifestations (e.g. Razzaque 2007, Pandit 2007, Denayer 2010, Alfieri 2008, Croonen 2013, Zarare 2013, Lee 2011, Xu 2017). The variant has also been reported in some patients with LEOPARD syndrome (see e.g. Pandit 2007, Carcavilla 2013, Xu 2017). In all confirmed cases the variant occurred in heterozygous state as a de novo mutation (see e.g. Pandit 2007, Denayer 2010, Croonen 2013, Zarare 2013, Xu 2017). These data indicate that the variant is very likely to be associated with disease. Several publications reported experimental evidence evaluating an impact on protein function, demonstrating increased kinase activity (Razzaque 2007), increased activation of MEK and ERK (Lee 2011) and altered signaling in cardiomyocytes consistent with that observed in cardiac hypertrophy (Dhandapany 2011). 11 clinical diagnostic laboratories have submitted clinical-significance assessments for this variant to ClinVar after 2014 without evidence for independent evaluation. All laboratories classified the variant as pathogenic (10x) / likely pathogenic (1x). Based on the evidence outlined above, the variant was classified as pathogenic.

Agnes Ginges Centre for Molecular Cardiology, Centenary Institute
Classification: Pathogenic for Noonan syndrome. Last evaluated: 2017-11-16. Review status: criteria provided, single submitter. Criteria: ACMG Guidelines, 2015. Collection method: research. Allele origin: germline. Affected: yes. Not counted in ClinVar's aggregate classification.
Comment: The RAF1 Ser257Leu variant has been previously reported in multiple Noonan syndrome cases (see literature), including at least 6 cases where the variant was found to arise de novo (Zarate YA, et al., 2013; Kobayashi T, et al., 2010; Pandit B, et al., 2007). RAF1 Ser257Leu is absent in the Exome Aggregation Consortium dataset, as well as the Genome Aggregation Database. In silico tools SIFT and MutationTaster predict this variant to be deleterious, however PolyPhen-2 predicts this variant to be "benign". In summary, based on rarity in the general population, presence in multiple Noonan syndrome patients, the high rate of de novo occurrences and because the variant is located in a functional 'hotspot' we classify the RAF1 Ser257Leu as "pathogenic".